The following is an entry in ClinVar:

NM_152564.5(VPS13B):c.6147_6148del (p.His2049fs)

Gene: VPS13B (vacuolar protein sorting 13 homolog B; plus strand). Cytogenetic location: 8q22.2.
Variant type: Microsatellite.
Coding change: c.6147_6148del on transcript NM_152564.5 (MANE Select); coding-DNA positions 6147 to 6148, 2 bases deleted (CA; older notation c.6147_6148delCA).
Protein change: p.His2049fs; shifts the reading frame from histidine 2049.
Molecular consequence: frameshift variant.
Genome position (GRCh38, 1-based): chr8:99,699,625-99,699,626, CA deleted; deleting any 2 consecutive bases within chr8:99,699,621-99,699,626 gives the same sequence; the c. name uses the placement nearest the transcript's 3' end. VCF-style (leftmost placement, unchanged base first): chr8-99699620-GCA-G. GRCh37 (hg19) VCF-style: chr8-100711848-GCA-G.
Other names: c.6222_6223del, p.His2074fs (NM_017890.5); c.6222_6223del (NM_017890.4); short protein forms H2049fs, H2074fs.
Identifiers: ClinVar variation 659660 (VCV000659660.3), dbSNP rs1588635717, ClinGen allele CA915948832.

ClinVar aggregate classification (germline): Pathogenic (1 of 4 stars; one submission).

Conditions:
Cohen syndrome (COH1). Also called: PEPPER SYNDROME; Cutis verticis gyrata, retinitis pigmentosa, and sensorineural deafness. Identifiers: Orphanet 193, MedGen C0265223, MONDO:0008999, OMIM 216550.

Submission:

Labcorp Genetics (formerly Invitae), Labcorp
Classification: Pathogenic for Cohen syndrome. Last evaluated: 2025-03-12. Review status: criteria provided, single submitter. Criteria: Invitae Variant Classification Sherloc (09022015). Collection method: clinical testing. Allele origin: germline.
Comment: This sequence change creates a premature translational stop signal (p.His2074Glnfs*5) in the VPS13B gene. It is expected to result in an absent or disrupted protein product. Loss-of-function variants in VPS13B are known to be pathogenic (PMID: 15141358, 16648375, 20461111). This variant is not present in population databases (gnomAD no frequency). This variant has not been reported in the literature in individuals affected with VPS13B-related conditions. ClinVar contains an entry for this variant (Variation ID: 659660). For these reasons, this variant has been classified as Pathogenic.

Literature cited by the submitters: PubMed 15141358; PubMed 16648375; PubMed 20461111.